The following is an entry in ClinVar:

NM_004423.4(DVL3):c.1750G>C (p.Asp584His)

Gene: DVL3 (dishevelled segment polarity protein 3; plus strand). Cytogenetic location: 3q27.1.
Variant type: single nucleotide variant.
Coding change: c.1750G>C on transcript NM_004423.4 (MANE Select); coding-DNA position 1750, G replaced by C.
Protein change: p.Asp584His; replaces aspartic acid 584 with histidine.
Molecular consequence: missense variant.
Genome position (GRCh38, 1-based): chr3:184,170,354, G>C. VCF-style: chr3-184170354-G-C. GRCh37 (hg19) VCF-style: chr3-183888142-G-C.
Other names: short protein forms D584H.
Identifiers: ClinVar variation 4698872 (VCV004698872.1).
Genomic context (GRCh38, chr3:184,170,354, plus strand): 5'-CCCCGGCCCTGTTTGCCTCCTACAGGCAGTCGGAGCAGTGGCTCCAACCGTAGCGGCAGC[G>C]ATCGGAGGAAGGAGAAGGACCCGAAGGCCGGGGACTCCAAGTCCGGGGGCAGCGGCAGCG-3'
Protein context (NP_004414.3, residues 574-594): RSSGSNRSGS[Asp584His]RRKEKDPKAG

ClinVar aggregate classification (germline): Uncertain significance (1 of 4 stars; one submission).

gnomAD v4.1: 2 of 1,605,480 alleles (0.00012%); highest among the groups gnomAD compares: Non-Finnish European, 0.00017%; no homozygotes.

Submission:

Labcorp Genetics (formerly Invitae), Labcorp
Classification: Uncertain significance. Last evaluated: 2025-10-16. Review status: criteria provided, single submitter. Criteria: Invitae Variant Classification Sherloc (09022015). Collection method: clinical testing. Allele origin: germline.
Comment: This sequence change replaces aspartic acid, which is acidic and polar, with histidine, which is basic and polar, at codon 584 of the DVL3 protein (p.Asp584His). This variant is not present in population databases (gnomAD no frequency). This variant has not been reported in the literature in individuals affected with DVL3-related conditions. Invitae Evidence Modeling of protein sequence and biophysical properties (such as structural, functional, and spatial information, amino acid conservation, physicochemical variation, residue mobility, and thermodynamic stability) indicates that this missense variant is not expected to disrupt DVL3 protein function with a negative predictive value of 80%. In summary, the available evidence is currently insufficient to determine the role of this variant in disease. Therefore, it has been classified as a Variant of Uncertain Significance.